The following is an entry in ClinVar:

NM_022489.4(INF2):c.1959G>C (p.Glu653Asp)

Gene: INF2 (inverted formin 2; plus strand). Cytogenetic location: 14q32.33.
Variant type: single nucleotide variant.
Coding change: c.1959G>C on transcript NM_022489.4 (MANE Select); coding-DNA position 1959, G replaced by C.
Protein change: p.Glu653Asp; replaces glutamic acid 653 with aspartic acid.
Molecular consequence: missense variant.
Genome position (GRCh38, 1-based): chr14:104,709,290, G>C. VCF-style: chr14-104709290-G-C. GRCh37 (hg19) VCF-style: chr14-105175627-G-C.
Other names: c.1959G>C, p.Glu653Asp (NM_001031714.4); short protein forms E653D.
Identifiers: ClinVar variation 655512 (VCV000655512.8), dbSNP rs1047172155, ClinGen allele CA267324986.
Genomic context (GRCh38, chr14:104,709,290, plus strand): 5'-GGGGGTGACTCATGATTCACTCACCCCTGCCCGGTCCTCTCCCTGCTCCAGCTCCAACGA[G>C]GAGGTCGCTGCTATGATCCGGGCTGGAGATACCACCAAGTTTGATGTGGAGGTTCTCAAA-3'
Protein context (NP_071934.3, residues 643-663): IFLKQFKCSN[Glu653Asp]EVAAMIRAGD

ClinVar aggregate classification (germline): Uncertain significance (1 of 4 stars; one submission).

Conditions:
Charcot-Marie-Tooth disease dominant intermediate E. Also called: CHARCOT-MARIE-TOOTH NEUROPATHY WITH FOCAL SEGMENTAL GLOMERULONEPHRITIS. Identifiers: Orphanet 93114, MedGen C4302667, MONDO:0013758, OMIM 614455.
Focal segmental glomerulosclerosis 5 (FSGS5). Identifiers: Orphanet 656, MedGen C2750475, MONDO:0013191, OMIM 613237.

Allele frequency attached by ClinVar (database versions not stated): gnomAD 0.00001.
gnomAD v4.1: 2 of 1,612,590 alleles (0.00012%); highest among the groups gnomAD compares: African/African-American, 0.0027%; no homozygotes.

Submission:

Labcorp Genetics (formerly Invitae), Labcorp
Classification: Uncertain significance for Charcot-Marie-Tooth disease dominant intermediate E; Focal segmental glomerulosclerosis 5. Last evaluated: 2018-11-17. Review status: criteria provided, single submitter. Criteria: Invitae Variant Classification Sherloc (09022015). Collection method: clinical testing. Allele origin: germline.
Comment: In summary, the available evidence is currently insufficient to determine the role of this variant in disease. Therefore, it has been classified as a Variant of Uncertain Significance. This variant has not been reported in the literature in individuals with INF2-related disease. This variant is not present in population databases (ExAC no frequency). This sequence change replaces glutamic acid with aspartic acid at codon 653 of the INF2 protein (p.Glu653Asp). The glutamic acid residue is highly conserved and there is a small physicochemical difference between glutamic acid and aspartic acid.